The following is an entry in ClinVar:

ClinVar aggregate classification (germline): Pathogenic. Review status: criteria provided, single submitter (1 of 4 stars). 2 submissions from 2 submitters: Pathogenic (1). 1 of the submissions does not count toward it. Last evaluated 2020-10-02.

Conditions:
Silver-Russell syndrome 3 (SRS3). Also called: Growth restriction, severe, with distinctive facies. Identifiers: MedGen C4225307, MONDO:0014663, OMIM 616489.

Submissions (2):

GeneDx
Classification: Pathogenic. Last evaluated: 2020-10-02. Review status: criteria provided, single submitter. Criteria: GeneDx Variant Classification Process June 2021. Collection method: clinical testing. Allele origin: germline. Affected: yes.
Comment: Not observed in large population cohorts (Lek et al., 2016); In silico analysis, which includes protein predictors and evolutionary conservation, supports a deleterious effect; This variant is associated with the following publications: (PMID: 28848601, 28713423)

OMIM
Classification: Pathogenic for SILVER-RUSSELL SYNDROME 3. Last evaluated: 2020-06-12. Review status: no assertion criteria provided. Collection method: literature only. Allele origin: germline. Not counted in ClinVar's aggregate classification.

Literature cited by the submitters: PubMed 28848601 (cited by OMIM).

NM_000612.6(IGF2):c.101G>A (p.Gly34Asp)

Genes: IGF2 (insulin like growth factor 2; minus strand), INS-IGF2 (INS-IGF2 readthrough; minus strand). Cytogenetic location: 11p15.5.
Variant type: single nucleotide variant.
Coding change: c.101G>A on transcript NM_000612.6 (MANE Select); coding-DNA position 101, G replaced by A.
Protein change: p.Gly34Asp; replaces glycine 34 with aspartic acid.
Molecular consequence: missense variant. On other transcripts: non-coding transcript variant (1).
Genome position (GRCh38, 1-based): chr11:2,135,423, C>T on the plus strand (G>A on the coding strand, the complement: IGF2 is on the minus strand). VCF-style: chr11-2135423-C-T. GRCh37 (hg19) VCF-style: chr11-2156653-C-T.
Other names: c.101G>A, p.Gly34Asp (NM_001007139.6, NM_001291861.3, NM_001291862.3); c.269G>A, p.Gly90Asp (NM_001127598.3); short protein forms G34D, G90D.
Identifiers: ClinVar variation 917501 (VCV000917501.3), dbSNP rs1858937182, ClinGen allele CA379113898.